The following is an entry in ClinVar:

ClinVar aggregate classification (germline): Pathogenic (1 of 4 stars; one submission).

Conditions:
Spastic paraplegia. Identifiers: MedGen C0037772, HP:0001258.

Submission:

Labcorp Genetics (formerly Invitae), Labcorp
Classification: Pathogenic for Spastic paraplegia. Last evaluated: 2023-05-12. Review status: criteria provided, single submitter. Criteria: Invitae Variant Classification Sherloc (09022015). Collection method: clinical testing. Allele origin: germline.
Comment: For these reasons, this variant has been classified as Pathogenic. This sequence change creates a premature translational stop signal (p.Glu870*) in the KIF5A gene. It is expected to result in an absent or disrupted protein product. Loss-of-function variants in KIF5A are known to be pathogenic (PMID: 26374131). This variant is not present in population databases (gnomAD no frequency). This variant has not been reported in the literature in individuals affected with KIF5A-related conditions. ClinVar contains an entry for this variant (Variation ID: 662246).

Literature cited by the submitters: PubMed 26374131.

NM_004984.4(KIF5A):c.2608G>T (p.Glu870Ter)

Gene: KIF5A (kinesin family member 5A; plus strand). Cytogenetic location: 12q13.3.
Variant type: single nucleotide variant.
Coding change: c.2608G>T on transcript NM_004984.4 (MANE Select); coding-DNA position 2608, G replaced by T.
Protein change: p.Glu870Ter; replaces glutamic acid 870 with a stop codon.
Molecular consequence: nonsense.
Genome position (GRCh38, 1-based): chr12:57,581,025, G>T. VCF-style: chr12-57581025-G-T. GRCh37 (hg19) VCF-style: chr12-57974808-G-T.
Other names: c.2341G>T, p.Glu781Ter (NM_001354705.2); short protein forms E781*, E870*.
Identifiers: ClinVar variation 662246 (VCV000662246.7), dbSNP rs1594925773, ClinGen allele CA385515114.
Genomic context (GRCh38, chr12:57,581,025, plus strand): 5'-GACAATGCAGATCTGCGTTGTGAGCTTCCTAAATTGGAAAAACGACTTAGGGCTACGGCT[G>T]AGAGAGTTAAGGCCCTGGAGGGTGCACTGAAGGAGGCCAAGGAGGGCGCCATGAAGGACA-3'